The following is an entry in ClinVar:

NM_005188.4(CBL):c.1274G>A (p.Gly425Asp)

Gene: CBL (Cbl proto-oncogene; plus strand). Cytogenetic location: 11q23.3.
Variant type: single nucleotide variant.
Coding change: c.1274G>A on transcript NM_005188.4 (MANE Select); coding-DNA position 1274, G replaced by A.
Protein change: p.Gly425Asp; replaces glycine 425 with aspartic acid.
Molecular consequence: missense variant.
Genome position (GRCh38, 1-based): chr11:119,278,556, G>A. VCF-style: chr11-119278556-G-A. GRCh37 (hg19) VCF-style: chr11-119149266-G-A.
Other names: c.1274G>A (NM_005188.2); short protein forms G425D.
Identifiers: ClinVar variation 1377855 (VCV001377855.10), dbSNP rs1949908282, ClinGen allele CA382913967.

ClinVar aggregate classification (germline): Uncertain significance. Review status: criteria provided, multiple submitters, no conflicts (2 of 4 stars). 3 submissions from 3 submitters: Uncertain significance (3). Last evaluated 2024-11-25.

Conditions:
RASopathy. Also called: rasopathies; Noonan spectrum disorder. Identifiers: Orphanet 536391, MedGen C5555857, MONDO:0021060.

gnomAD v4.1: 4 of 1,614,148 alleles (0.00025%); highest among the groups gnomAD compares: Non-Finnish European, 0.00034%; no homozygotes.

Submissions (3):

GeneDx
Classification: Uncertain significance. Last evaluated: 2024-11-25. Review status: criteria provided, single submitter. Criteria: GeneDx Variant Classification Process June 2021. Collection method: clinical testing. Allele origin: germline. Affected: yes.
Comment: Not observed at significant frequency in large population cohorts (gnomAD); In silico analysis supports that this missense variant has a deleterious effect on protein structure/function; This variant is associated with the following publications: (PMID: 20619386, 31133750, 35982159)

Labcorp Genetics (formerly Invitae), Labcorp
Classification: Uncertain significance for RASopathy. Last evaluated: 2022-03-19. Review status: criteria provided, single submitter. Criteria: Invitae Variant Classification Sherloc (09022015). Collection method: clinical testing. Allele origin: germline.
Comment: In summary, the available evidence is currently insufficient to determine the role of this variant in disease. Therefore, it has been classified as a Variant of Uncertain Significance. Advanced modeling of protein sequence and biophysical properties (such as structural, functional, and spatial information, amino acid conservation, physicochemical variation, residue mobility, and thermodynamic stability) performed at Invitae indicates that this missense variant is expected to disrupt CBL protein function. This variant has not been reported in the literature in individuals affected with CBL-related conditions. This variant is not present in population databases (gnomAD no frequency). This sequence change replaces glycine, which is neutral and non-polar, with aspartic acid, which is acidic and polar, at codon 425 of the CBL protein (p.Gly425Asp).

AiLife Diagnostics
Classification: Uncertain significance. Last evaluated: 2022-02-22. Review status: criteria provided, single submitter. Criteria: ACMG Guidelines, 2015. Collection method: clinical testing. Allele origin: germline. Affected: yes. Observed: 1 variant allele.